The following is an entry in ClinVar:

ClinVar aggregate classification (germline): Uncertain significance. Review status: criteria provided, multiple submitters, no conflicts (2 of 4 stars). 2 submissions from 2 submitters: Uncertain significance (2). Last evaluated 2022-02-07.

Conditions:
Inborn genetic diseases. Identifiers: MedGen C0950123, MeSH D030342.

Submissions (2):

GeneDx
Classification: Uncertain significance. Last evaluated: 2022-02-07. Review status: criteria provided, single submitter. Criteria: GeneDx Variant Classification Process June 2021. Collection method: clinical testing. Allele origin: germline. Affected: yes.
Comment: Not observed at significant frequency in large population cohorts (gnomAD); Missense variants in this gene are often considered pathogenic (HGMD); In silico analysis supports that this missense variant does not alter protein structure/function; Has not been previously published as pathogenic or benign to our knowledge

Ambry Genetics
Classification: Uncertain significance for Inborn genetic diseases. Last evaluated: 2021-06-15. Review status: criteria provided, single submitter. Criteria: Ambry Variant Classification Scheme 2023. Collection method: clinical testing. Allele origin: germline.

NM_000533.5(PLP1):c.829T>C (p.Phe277Leu)

Genes: PLP1 (proteolipid protein 1; plus strand), RAB9B (RAB9B, member RAS oncogene family; minus strand). Cytogenetic location: Xq22.2.
Variant type: single nucleotide variant.
Coding change: c.829T>C on transcript NM_000533.5 (MANE Select); coding-DNA position 829, T replaced by C.
Protein change: p.Phe277Leu; replaces phenylalanine 277 with leucine.
Molecular consequence: missense variant.
Genome position (GRCh38, 1-based): chrX:103,790,593, T>C. VCF-style: chrX-103790593-T-C. GRCh37 (hg19) VCF-style: chrX-103045521-T-C.
Other names: c.829T>C, p.Phe277Leu (NM_001128834.3); c.664T>C, p.Phe222Leu (NM_001305004.1); c.724T>C, p.Phe242Leu (NM_199478.3); short protein forms F222L, F242L, F277L.
Identifiers: ClinVar variation 1700476 (VCV001700476.5), dbSNP rs2147769293, ClinGen allele CA414105099.